The following is an entry in ClinVar:

ClinVar aggregate classification (germline): Uncertain significance (1 of 4 stars; one submission).

Conditions:
Primary familial hypertrophic cardiomyopathy (HCM). Identifiers: Orphanet 99739, MedGen C0949658, MeSH D024741, MONDO:0024573. Inheritance: Various modes of inheritance.
Hypertrophic cardiomyopathy 25 (CMH25). Also called: CARDIOMYOPATHY, FAMILIAL HYPERTROPHIC, 25. Identifiers: MedGen C4225408, MONDO:0011843, OMIM 607487.

Submission:

Labcorp Genetics (formerly Invitae), Labcorp
Classification: Uncertain significance for Hypertrophic cardiomyopathy 25; Primary familial hypertrophic cardiomyopathy. Last evaluated: 2021-10-20. Review status: criteria provided, single submitter. Criteria: Invitae Variant Classification Sherloc (09022015). Collection method: clinical testing. Allele origin: germline.
Comment: In summary, the available evidence is currently insufficient to determine the role of this variant in disease. Therefore, it has been classified as a Variant of Uncertain Significance. Algorithms developed to predict the effect of missense changes on protein structure and function (SIFT, PolyPhen-2, Align-GVGD) all suggest that this variant is likely to be disruptive. This variant has not been reported in the literature in individuals affected with TCAP-related conditions. This variant is not present in population databases (ExAC no frequency). This sequence change replaces proline with histidine at codon 92 of the TCAP protein (p.Pro92His). The proline residue is highly conserved and there is a moderate physicochemical difference between proline and histidine.

NM_003673.4(TCAP):c.275C>A (p.Pro92His)

Gene: TCAP (titin-cap; plus strand). Cytogenetic location: 17q12.
Variant type: single nucleotide variant.
Coding change: c.275C>A on transcript NM_003673.4 (MANE Select); coding-DNA position 275, C replaced by A.
Protein change: p.Pro92His; replaces proline 92 with histidine.
Molecular consequence: missense variant.
Genome position (GRCh38, 1-based): chr17:39,665,880, C>A. VCF-style: chr17-39665880-C-A. GRCh37 (hg19) VCF-style: chr17-37822133-C-A.
Other names: short protein forms P92H.
Identifiers: ClinVar variation 1480254 (VCV001480254.6), dbSNP rs2057251380, ClinGen allele CA399304758.